The following is an entry in ClinVar:

NM_174936.4(PCSK9):c.800-2_800delinsCC

Gene: PCSK9 (proprotein convertase subtilisin/kexin type 9; plus strand). Cytogenetic location: 1p32.3.
Variant type: Indel.
Coding change: c.800-2_800delinsCC on transcript NM_174936.4 (MANE Select); the canonical splice acceptor site of the intron before coding-DNA position 800 through coding-DNA position 800, AGG replaced by CC.
Molecular consequence: splice acceptor variant.
Genome position (GRCh38, 1-based): chr1:55,055,991-55,055,993, AGG replaced by CC. VCF-style: chr1-55055991-AGG-CC. GRCh37 (hg19) VCF-style: chr1-55521664-AGG-CC.
Other names: c.425-2_425delinsCC (NM_001407246.1); c.923-2_923delinsCC (NM_001407240.1); c.803-2_803delinsCC (NM_001407242.1); c.800-2_800delinsCC (NM_001407241.1, NM_001407244.1, NM_001407247.1); c.743-2_743delinsCC (NM_001407243.1); c.608-2_608delinsCC (NM_001407245.1).
Identifiers: ClinVar variation 2774043 (VCV002774043.2), dbSNP rs2523243382, ClinGen allele CA2697552436.

ClinVar aggregate classification (germline): Uncertain significance (1 of 4 stars; one submission).

Conditions:
Familial hypercholesterolemia. Also called: Familial hypercholesterolaemia. Identifiers: MedGen C0020445, MONDO:0005439.

Submission:

Color Diagnostics, LLC DBA Color Health
Classification: Uncertain significance for Familial hypercholesterolemia. Last evaluated: 2023-04-21. Review status: criteria provided, single submitter. Criteria: ACMG Guidelines, 2015. Collection method: clinical testing. Allele origin: germline.
Comment: This variant causes an substitution of 3 nucleotide at c.800-2_800 positions with 2 new nucleotides in intron 5 of the PCSK9 gene. To our knowledge, functional studies have not been reported for this variant. This variant has not been reported in individuals affected with PCSK9-related disorders in the literature. This variant has not been identified in the general population by the Genome Aggregation Database (gnomAD). The available evidence is insufficient to determine the role of this variant in disease conclusively. Therefore, this variant is classified as a Variant of Uncertain Significance.